The following is an entry in ClinVar:

NM_001101426.4(CRPPA):c.1139A>T (p.Lys380Ile)

Genes: CRPPA-AS1 (CRPPA antisense RNA 1; plus strand), CRPPA (CDP-L-ribitol pyrophosphorylase A; minus strand). Cytogenetic location: 7p21.2.
Variant type: single nucleotide variant.
Coding change: c.1139A>T on transcript NM_001101426.4 (MANE Select); coding-DNA position 1139, A replaced by T.
Protein change: p.Lys380Ile; replaces lysine 380 with isoleucine.
Molecular consequence: missense variant. On other transcripts: non-coding transcript variant (1).
Genome position (GRCh38, 1-based): chr7:16,216,178, T>A on the plus strand (A>T on the coding strand, the complement: CRPPA is on the minus strand). VCF-style: chr7-16216178-T-A. GRCh37 (hg19) VCF-style: chr7-16255803-T-A.
Other names: c.989A>T, p.Lys330Ile (NM_001101417.4); c.1034A>T, p.Lys345Ile (NM_001368197.1); short protein forms K330I, K345I, K380I.
Identifiers: ClinVar variation 1042160 (VCV001042160.6), dbSNP rs747075828, ClinGen allele CA367001147.

ClinVar aggregate classification (germline): Uncertain significance (1 of 4 stars; one submission).

Conditions:
Autosomal recessive limb-girdle muscular dystrophy type 2U. Also called: Muscular dystrophy-dystroglycanopathy (limb-girdle), type c, 7; MUSCULAR DYSTROPHY, LIMB-GIRDLE, TYPE 2U. Identifiers: Orphanet 352479, MedGen C5190987, MONDO:0014474, OMIM 616052.
Muscular dystrophy-dystroglycanopathy (congenital with brain and eye anomalies), type A, 7. Also called: Congenital muscular dystrophy-dystroglycanopathy with brain and eye anomalies, type A7; WALKER-WARBURG SYNDROME OR MUSCLE-EYE-BRAIN DISEASE, ISPD-RELATED. Identifiers: Orphanet 899, MedGen C3553330, MONDO:0013835, OMIM 614643.

gnomAD v4.1: 1 of 1,578,010 alleles (0.000063%); highest among the groups gnomAD compares: East Asian, 0.0022%; no homozygotes.

Submission:

Labcorp Genetics (formerly Invitae), Labcorp
Classification: Uncertain significance for Muscular dystrophy-dystroglycanopathy (congenital with brain and eye anomalies), type A, 7; Autosomal recessive limb-girdle muscular dystrophy type 2U. Last evaluated: 2022-08-16. Review status: criteria provided, single submitter. Criteria: Invitae Variant Classification Sherloc (09022015). Collection method: clinical testing. Allele origin: germline.
Comment: This sequence change replaces lysine, which is basic and polar, with isoleucine, which is neutral and non-polar, at codon 380 of the ISPD protein (p.Lys380Ile). This variant is not present in population databases (gnomAD no frequency). This variant has not been reported in the literature in individuals affected with ISPD-related conditions. ClinVar contains an entry for this variant (Variation ID: 1042160). Algorithms developed to predict the effect of missense changes on protein structure and function (SIFT, PolyPhen-2, Align-GVGD) all suggest that this variant is likely to be tolerated. In summary, the available evidence is currently insufficient to determine the role of this variant in disease. Therefore, it has been classified as a Variant of Uncertain Significance.